The following is an entry in ClinVar:

NM_002303.6(LEPR):c.786G>A (p.Leu262=)

Gene: LEPR (leptin receptor; plus strand). Cytogenetic location: 1p31.3.
Variant type: single nucleotide variant.
Coding change: c.786G>A on transcript NM_002303.6 (MANE Select); coding-DNA position 786, G replaced by A.
Protein change: p.Leu262=; no amino-acid change (leucine 262 retained).
Molecular consequence: synonymous variant.
Genome position (GRCh38, 1-based): chr1:65,596,530, G>A. VCF-style: chr1-65596530-G-A. GRCh37 (hg19) VCF-style: chr1-66062213-G-A.
Other names: c.786G>A, p.Leu262= (NM_001003679.3, NM_001003680.3, NM_001198687.2 and 2 more transcripts).
Identifiers: ClinVar variation 4992747 (VCV004992747.1).
Genomic context (GRCh38, chr1:65,596,530, plus strand): 5'-TTTGCATATGGAAATCACAGATGATGGTAATTTAAAGATTTCTTGGTCCAGCCCACCATT[G>A]GTACCATTTCCACTTCAATATCAAGTGAAATATTCAGAGAATTCTACAACAGTTATCAGA-3'
Protein context (NP_002294.2, residues 252-272): NLKISWSSPP[Leu262=]VPFPLQYQVK

ClinVar aggregate classification (germline): Likely benign (1 of 4 stars; one submission).

Conditions:
LEPR-related disorder. Also called: LEPR-related disorders; LEPR-related condition.

Submission:

PreventionGenetics, part of Exact Sciences
Classification: Likely benign for LEPR-related condition. Last evaluated: 2026-05-13. Review status: criteria provided, single submitter. Criteria: ACMG Guidelines, 2015. Collection method: clinical testing. Allele origin: germline.
Comment: This variant is classified as likely benign based on ACMG/AMP sequence variant interpretation guidelines (Richards et al. 2015 PMID: 25741868, with internal and published modifications).